The following is an entry in ClinVar:

ClinVar aggregate classification (germline): Uncertain significance (1 of 4 stars; one submission).

Submission:

Labcorp Genetics (formerly Invitae), Labcorp
Classification: Uncertain significance. Last evaluated: 2020-12-09. Review status: criteria provided, single submitter. Criteria: Invitae Variant Classification Sherloc (09022015). Collection method: clinical testing. Allele origin: germline.
Comment: This sequence change results in a frameshift in the PITPNM3 gene (p.Phe908Glnfs*181). While this is not anticipated to result in nonsense mediated decay, it is expected to disrupt the last 67 amino acids of the PITPNM3 protein and extend the protein by an additional 113 amino acids. This variant is not present in population databases (ExAC no frequency). This variant has not been reported in the literature in individuals with PITPNM3-related conditions. Experimental studies and prediction algorithms are not available or were not evaluated, and the functional significance of this variant is currently unknown. In summary, the available evidence is currently insufficient to determine the role of this variant in disease. Therefore, it has been classified as a Variant of Uncertain Significance.

NM_031220.4(PITPNM3):c.2722_2740del (p.Phe908fs)

Gene: PITPNM3 (PITPNM family member 3; minus strand). Cytogenetic location: 17p13.2.
Variant type: Deletion.
Coding change: c.2722_2740del on transcript NM_031220.4 (MANE Select); coding-DNA positions 2722 to 2740, 19 bases deleted (TTCGGGCTGCACGCGCAGC).
Protein change: p.Phe908fs; shifts the reading frame from phenylalanine 908.
Molecular consequence: frameshift variant.
Genome position (GRCh38, 1-based): chr17:6,455,523-6,455,541, GCTGCGCGTGCAGCCCGAA deleted on the plus strand (TTCGGGCTGCACGCGCAGC on the coding strand, the reverse complement: PITPNM3 is on the minus strand); deleting any 19 consecutive bases within chr17:6,455,523-6,455,546 gives the same sequence; the c. name uses the placement nearest the transcript's 3' end. VCF-style (leftmost placement, unchanged base first): chr17-6455522-GGCTGCGCGTGCAGCCCGAA-G. GRCh37 (hg19) VCF-style: chr17-6358842-GGCTGCGCGTGCAGCCCGAA-G.
Other names: c.2614_2632del, p.Phe872fs (NM_001165966.2); short protein forms F872fs, F908fs.
Identifiers: ClinVar variation 1053601 (VCV001053601.7), dbSNP rs2150711486, ClinGen allele CA2499224834.